The following is an entry in ClinVar:

NM_006516.4(SLC2A1):c.202dup (p.Ser68fs)

Gene: SLC2A1 (solute carrier family 2 member 1; minus strand). Cytogenetic location: 1p34.2.
Variant type: Duplication.
Coding change: c.202dup on transcript NM_006516.4 (MANE Select); coding-DNA position 202, one base duplicated (T; older notation c.202dupT).
Protein change: p.Ser68fs; shifts the reading frame from serine 68.
Molecular consequence: frameshift variant.
Genome position (GRCh38, 1-based): chr1:42,931,119, A duplicated on the plus strand (T on the coding strand, the reverse complement: SLC2A1 is on the minus strand). VCF-style (leftmost placement, unchanged base first): chr1-42931118-G-GA. GRCh37 (hg19) VCF-style: chr1-43396789-G-GA.
Other names: short protein forms S68fs.
Identifiers: ClinVar variation 1995319 (VCV001995319.4), dbSNP rs2524999400, ClinGen allele CA2580062859.

ClinVar aggregate classification (germline): Pathogenic (1 of 4 stars; one submission).

Conditions:
GLUT1 deficiency syndrome 1, autosomal recessive. Identifiers: MedGen C3149117.

Submission:

Labcorp Genetics (formerly Invitae), Labcorp
Classification: Pathogenic for GLUT1 deficiency syndrome 1, autosomal recessive. Last evaluated: 2022-05-16. Review status: criteria provided, single submitter. Criteria: Invitae Variant Classification Sherloc (09022015). Collection method: clinical testing. Allele origin: germline.
Comment: For these reasons, this variant has been classified as Pathogenic. This sequence change creates a premature translational stop signal (p.Ser68Phefs*21) in the SLC2A1 gene. It is expected to result in an absent or disrupted protein product. Loss-of-function variants in SLC2A1 are known to be pathogenic (PMID: 21832227, 26193382). This variant is not present in population databases (gnomAD no frequency). This variant has not been reported in the literature in individuals affected with SLC2A1-related conditions.

Literature cited by the submitters: PubMed 21832227; PubMed 26193382.